The following is an entry in ClinVar:

ClinVar aggregate classification (germline): Uncertain significance. Review status: criteria provided, multiple submitters, no conflicts (2 of 4 stars). 2 submissions from 2 submitters: Uncertain significance (2). Last evaluated 2024-06-10.

gnomAD v4.1: 2 of 1,614,074 alleles (0.00012%); highest among the groups gnomAD compares: African/African-American, 0.0013%; no homozygotes.

Submissions (2):

Women's Health and Genetics/Laboratory Corporation of America, LabCorp
Classification: Uncertain significance. Last evaluated: 2024-06-10. Review status: criteria provided, single submitter. Criteria: LabCorp Variant Classification Summary - May 2015. Collection method: clinical testing. Allele origin: germline.
Comment: Variant summary: COL11A2 c.2539G>A (p.Gly847Ser) results in a non-conservative amino acid change located in the collagen triple helix repeat (IPR008160) of the encoded protein sequence. Five of five in-silico tools predict a damaging effect of the variant on protein function. The variant was absent in 251374 control chromosomes (gnomAD). The available data on variant occurrences in the general population are insufficient to allow any conclusion about variant significance. To our knowledge, no occurrence of c.2539G>A in individuals affected with COL11A2-Related Disorders and no experimental evidence demonstrating its impact on protein function have been reported. No submitters have cited clinical-significance assessments for this variant to ClinVar. Based on the evidence outlined above, the variant was classified as uncertain significance.

Blueprint Genetics
Classification: Uncertain significance. Last evaluated: 2017-11-22. Review status: criteria provided, single submitter. Criteria: ACMG Guidelines, 2015. Collection method: clinical testing. Allele origin: germline.

NM_080680.3(COL11A2):c.2539G>A (p.Gly847Ser)

Gene: COL11A2 (collagen type XI alpha 2 chain; minus strand). Cytogenetic location: 6p21.32.
Variant type: single nucleotide variant.
Coding change: c.2539G>A on transcript NM_080680.3 (MANE Select); coding-DNA position 2539, G replaced by A.
Protein change: p.Gly847Ser; replaces glycine 847 with serine.
Molecular consequence: missense variant.
Genome position (GRCh38, 1-based): chr6:33,173,917, C>T on the plus strand (G>A on the coding strand, the complement: COL11A2 is on the minus strand). VCF-style: chr6-33173917-C-T. GRCh37 (hg19) VCF-style: chr6-33141694-C-T.
Other names: c.493G>A, p.Gly165Ser (NM_001424112.1); c.2218G>A, p.Gly740Ser (NM_080679.3); c.2281G>A, p.Gly761Ser (NM_080681.3); c.2359G>A, p.Gly787Ser (NM_001424108.1); c.1693G>A, p.Gly565Ser (NM_001424109.1); c.1513G>A, p.Gly505Ser (NM_001424110.1, NM_001424111.1); short protein forms G165S, G505S, G565S, G740S, G761S, G787S, G847S.
Identifiers: ClinVar variation 3339625 (VCV003339625.2).